The following is an entry in ClinVar:

NM_000222.3(KIT):c.438T>A (p.Tyr146Ter)

Gene: KIT (KIT proto-oncogene, receptor tyrosine kinase; plus strand). Cytogenetic location: 4q12.
Variant type: single nucleotide variant.
Coding change: c.438T>A on transcript NM_000222.3 (MANE Select); coding-DNA position 438, T replaced by A.
Protein change: p.Tyr146Ter; replaces tyrosine 146 with a stop codon.
Molecular consequence: nonsense.
Genome position (GRCh38, 1-based): chr4:54,698,384, T>A. VCF-style: chr4-54698384-T-A. GRCh37 (hg19) VCF-style: chr4-55564550-T-A.
Other names: c.438T>A, p.Tyr146Ter (NM_001093772.2, NM_001385284.1, NM_001385285.1 and 4 more transcripts); short protein forms Y146*.
Identifiers: ClinVar variation 4761558 (VCV004761558.1).

ClinVar aggregate classification (germline): Pathogenic (1 of 4 stars; one submission).

Conditions:
Gastrointestinal stromal tumor. Also called: Gastrointestinal stroma tumor; Gastrointestinal stromal tumor, somatic. Identifiers: Orphanet 44890, MedGen C0238198, MeSH D046152, MONDO:0011719, OMIM 606764, HP:0100723.

Submission:

Labcorp Genetics (formerly Invitae), Labcorp
Classification: Pathogenic for Gastrointestinal stromal tumor. Last evaluated: 2025-03-04. Review status: criteria provided, single submitter. Criteria: Invitae Variant Classification Sherloc (09022015). Collection method: clinical testing. Allele origin: germline.
Comment: This sequence change creates a premature translational stop signal (p.Tyr146*) in the KIT gene. It is expected to result in an absent or disrupted protein product. Loss-of-function variants in KIT are known to be pathogenic (PMID: 15194144). This variant is not present in population databases (gnomAD no frequency). This variant has not been reported in the literature in individuals affected with KIT-related conditions. For these reasons, this variant has been classified as Pathogenic.

Literature cited by the submitters: PubMed 15194144.